The following is an entry in ClinVar:

ClinVar aggregate classification (germline): Uncertain significance (1 of 4 stars; one submission).

Conditions:
Diamond-Blackfan anemia. Also called: Blackfan Diamond syndrome; Aregenerative anemia chronic congenital; Red cell aplasia, pure hereditary; Congenital hypoplastic anemia; Aase syndrome. Identifiers: Orphanet 124, MedGen C1260899, MeSH D029503, MONDO:0015253, HP:0004810.

Allele frequency attached by ClinVar (database versions not stated): gnomAD exomes below 0.00001; TOPMed below 0.00001; ExAC 0.00001.
gnomAD v4.1: 2 of 1,605,258 alleles (0.00012%); highest among the groups gnomAD compares: South Asian, 0.0011%; no homozygotes.

Submission:

Labcorp Genetics (formerly Invitae), Labcorp
Classification: Uncertain significance for Diamond-Blackfan anemia. Last evaluated: 2024-02-23. Review status: criteria provided, single submitter. Criteria: Invitae Variant Classification Sherloc (09022015). Collection method: clinical testing. Allele origin: germline.
Comment: This sequence change falls in intron 3 of the RPL5 gene. It does not directly change the encoded amino acid sequence of the RPL5 protein. It affects a nucleotide within the consensus splice site. This variant is present in population databases (rs751394001, gnomAD 0.003%). This variant has not been reported in the literature in individuals affected with RPL5-related conditions. Variants that disrupt the consensus splice site are a relatively common cause of aberrant splicing (PMID: 17576681, 9536098). Algorithms developed to predict the effect of sequence changes on RNA splicing suggest that this variant is not likely to affect RNA splicing. In summary, the available evidence is currently insufficient to determine the role of this variant in disease. Therefore, it has been classified as a Variant of Uncertain Significance.

Literature cited by the submitters: PubMed 17576681; PubMed 9536098.

NM_000969.5(RPL5):c.189+5G>A

Genes: DIPK1A (divergent protein kinase domain 1A; minus strand), RPL5 (ribosomal protein L5; plus strand). Cytogenetic location: 1p22.1.
Variant type: single nucleotide variant.
Coding change: c.189+5G>A on transcript NM_000969.5 (MANE Select); 5 bases into the intron after coding-DNA position 189, G replaced by A.
Molecular consequence: intron variant.
Genome position (GRCh38, 1-based): chr1:92,833,665, G>A. VCF-style: chr1-92833665-G-A. GRCh37 (hg19) VCF-style: chr1-93299222-G-A.
Other names: c.475-631C>T (NM_001252273.2).
Identifiers: ClinVar variation 2740394 (VCV002740394.3), dbSNP rs751394001, ClinGen allele CA952383.
Genomic context (GRCh38, chr1:92,833,665, plus strand): 5'-ACACACCCAAATACAGGATGATAGTTCGTGTGACAAACAGAGATATCATTTGTCAGGTAA[G>A]TTGTATTCTAGACAGTCCCCTTTTTTTATTGCTAGAGAAATTGTGCTTGGGAAGCAAAGC-3'